The following is an entry in ClinVar:

NM_006231.4(POLE):c.6365T>C (p.Val2122Ala)

Gene: POLE (DNA polymerase epsilon, catalytic subunit; minus strand). Cytogenetic location: 12q24.33.
Variant type: single nucleotide variant.
Coding change: c.6365T>C on transcript NM_006231.4 (MANE Select); coding-DNA position 6365, T replaced by C.
Protein change: p.Val2122Ala; replaces valine 2122 with alanine.
Molecular consequence: missense variant.
Genome position (GRCh38, 1-based): chr12:132,626,283, A>G on the plus strand (T>C on the coding strand, the complement: POLE is on the minus strand). VCF-style: chr12-132626283-A-G. GRCh37 (hg19) VCF-style: chr12-133202869-A-G.
Other names: short protein forms V2122A.
Identifiers: ClinVar variation 1042898 (VCV001042898.8), dbSNP rs2041838401, ClinGen allele CA387367803.

ClinVar aggregate classification (germline): Uncertain significance (1 of 4 stars; one submission).

Submission:

Labcorp Genetics (formerly Invitae), Labcorp
Classification: Uncertain significance. Last evaluated: 2020-09-05. Review status: criteria provided, single submitter. Criteria: Invitae Variant Classification Sherloc (09022015). Collection method: clinical testing. Allele origin: germline.
Comment: This sequence change replaces valine with alanine at codon 2122 of the POLE protein (p.Val2122Ala). The valine residue is moderately conserved and there is a small physicochemical difference between valine and alanine. In summary, the available evidence is currently insufficient to determine the role of this variant in disease. Therefore, it has been classified as a Variant of Uncertain Significance. Algorithms developed to predict the effect of missense changes on protein structure and function are either unavailable or do not agree on the potential impact of this missense change (SIFT: "Deleterious"; PolyPhen-2: "Possibly Damaging"; Align-GVGD: "Class C0"). This variant has not been reported in the literature in individuals with POLE-related conditions. This variant is not present in population databases (ExAC no frequency).